The following is an entry in ClinVar:

NM_199420.4(POLQ):c.1538A>G (p.Lys513Arg)

Gene: POLQ (DNA polymerase theta; minus strand). Cytogenetic location: 3q13.33.
Variant type: single nucleotide variant.
Coding change: c.1538A>G on transcript NM_199420.4 (MANE Select); coding-DNA position 1538, A replaced by G.
Protein change: p.Lys513Arg; replaces lysine 513 with arginine.
Molecular consequence: missense variant.
Genome position (GRCh38, 1-based): chr3:121,511,960, T>C on the plus strand (A>G on the coding strand, the complement: POLQ is on the minus strand). VCF-style: chr3-121511960-T-C. GRCh37 (hg19) VCF-style: chr3-121230807-T-C.
Other names: short protein forms K513R.
Identifiers: ClinVar variation 3422578 (VCV003422578.1).
Genomic context (GRCh38, chr3:121,511,960, plus strand): 5'-CGTATCATGCTGCCAGTTACTTCTTCTCCTTCTCGTCTTTGCAGACAGCTGCGAACAGGC[T>C]TTAGAGAACCCTGAAGGAGAGCTATGCCTTTTGATTTCTCAGAGTTCTTACAAATTAAGA-3'
Protein context (NP_955452.3, residues 503-523): KGIALLQGSL[Lys513Arg]PVRSCLQRRE

ClinVar aggregate classification (germline): Uncertain significance (1 of 4 stars; one submission).

Submission:

Ambry Genetics
Classification: Uncertain significance. Last evaluated: 2024-09-30. Review status: criteria provided, single submitter. Criteria: Ambry Variant Classification Scheme 2023. Collection method: clinical testing. Allele origin: germline.
Comment: The p.K513R variant (also known as c.1538A>G), located in coding exon 10 of the POLQ gene, results from an A to G substitution at nucleotide position 1538. The lysine at codon 513 is replaced by arginine, an amino acid with highly similar properties. This amino acid position is conserved. In addition, this alteration is predicted to be tolerated by in silico analysis. Based on the available evidence, the clinical significance of this variant remains unclear.